The following is an entry in ClinVar:

ClinVar aggregate classification (germline): Likely benign (0 of 4 stars; one submission).

Conditions:
SFTPA2-related disorder. Also called: SFTPA2-related condition.

Allele frequency attached by ClinVar (database versions not stated): gnomAD 0.00002; TOPMed 0.00005; 1000 Genomes Project 0.00020; ExAC 0.00020.
gnomAD v4.1: 79 of 1,614,042 alleles (0.0049%); highest among the groups gnomAD compares: Admixed American, 0.083%; 1 homozygote.

Submission:

PreventionGenetics, part of Exact Sciences
Classification: Likely benign for SFTPA2-related condition. Last evaluated: 2021-07-06. Review status: no assertion criteria provided. Collection method: clinical testing. Allele origin: germline.
Comment: This variant is classified as likely benign based on ACMG/AMP sequence variant interpretation guidelines (Richards et al. 2015 PMID: 25741868, with internal and published modifications).

NM_001098668.4(SFTPA2):c.655C>T (p.Arg219Trp)

Gene: SFTPA2 (surfactant protein A2; minus strand). Cytogenetic location: 10q22.3.
Variant type: single nucleotide variant.
Coding change: c.655C>T on transcript NM_001098668.4 (MANE Select); coding-DNA position 655, C replaced by T.
Protein change: p.Arg219Trp; replaces arginine 219 with tryptophan.
Molecular consequence: missense variant.
Genome position (GRCh38, 1-based): chr10:79,557,301, G>A on the plus strand (C>T on the coding strand, the complement: SFTPA2 is on the minus strand). VCF-style: chr10-79557301-G-A. GRCh37 (hg19) VCF-style: chr10-81317057-G-A.
Other names: c.655C>T, p.Arg219Trp (NM_001320813.2); c.685C>T, p.Arg229Trp (NM_001320814.1); short protein forms R219W, R229W.
Identifiers: ClinVar variation 3033731 (VCV003033731.2), dbSNP rs183941812, ClinGen allele CA5573987.